The following is an entry in ClinVar:

ClinVar aggregate classification (germline): Uncertain significance (1 of 4 stars; one submission).

Conditions:
Norman-Roberts syndrome (LIS2). Also called: Lissencephaly 2 (Norman-Roberts type). Identifiers: Orphanet 89844, MedGen C0796089, MONDO:0009760, OMIM 257320.
Familial temporal lobe epilepsy 7. Identifiers: Orphanet 101046, MedGen C4225327, MONDO:0014639, OMIM 616436.

Allele frequency attached by ClinVar (database versions not stated): gnomAD exomes below 0.00001; TOPMed below 0.00001; ExAC 0.00001.
gnomAD v4.1: 30 of 1,613,000 alleles (0.0019%); highest among the groups gnomAD compares: Non-Finnish European, 0.0024%; no homozygotes.

Submission:

Labcorp Genetics (formerly Invitae), Labcorp
Classification: Uncertain significance for Familial temporal lobe epilepsy 7; Norman-Roberts syndrome. Last evaluated: 2021-05-31. Review status: criteria provided, single submitter. Criteria: Invitae Variant Classification Sherloc (09022015). Collection method: clinical testing. Allele origin: germline.
Comment: In summary, the available evidence is currently insufficient to determine the role of this variant in disease. Therefore, it has been classified as a Variant of Uncertain Significance. Algorithms developed to predict the effect of missense changes on protein structure and function output the following: SIFT: "Deleterious"; PolyPhen-2: "Probably Damaging"; Align-GVGD: "Class C0". The cysteine amino acid residue is found in multiple mammalian species, suggesting that this missense change does not adversely affect protein function. These predictions have not been confirmed by published functional studies and their clinical significance is uncertain. This variant has not been reported in the literature in individuals with RELN-related conditions. This variant is present in population databases (rs749565108, ExAC 0.002%). This sequence change replaces arginine with cysteine at codon 651 of the RELN protein (p.Arg651Cys). The arginine residue is highly conserved and there is a large physicochemical difference between arginine and cysteine.

NM_005045.4(RELN):c.1951C>T (p.Arg651Cys)

Gene: RELN (reelin; minus strand). Cytogenetic location: 7q22.1.
Variant type: single nucleotide variant.
Coding change: c.1951C>T on transcript NM_005045.4 (MANE Select); coding-DNA position 1951, C replaced by T.
Protein change: p.Arg651Cys; replaces arginine 651 with cysteine.
Molecular consequence: missense variant.
Genome position (GRCh38, 1-based): chr7:103,650,325, G>A on the plus strand (C>T on the coding strand, the complement: RELN is on the minus strand). VCF-style: chr7-103650325-G-A. GRCh37 (hg19) VCF-style: chr7-103290772-G-A.
Other names: c.1951C>T, p.Arg651Cys (NM_173054.3); short protein forms R651C.
Identifiers: ClinVar variation 1398450 (VCV001398450.8), dbSNP rs749565108, ClinGen allele CA4422122.